The following is an entry in ClinVar:

ClinVar aggregate classification (germline): Uncertain significance. Review status: criteria provided, multiple submitters, no conflicts (2 of 4 stars). 3 submissions from 3 submitters: Uncertain significance (3). Last evaluated 2025-04-28.

Conditions:
Inborn genetic diseases. Identifiers: MedGen C0950123, MeSH D030342.
MEGF8-related Carpenter syndrome. Also called: Carpenter syndrome 2. Identifiers: Orphanet 65759, MedGen C3554247, MONDO:0013998, OMIM 614976.

Allele frequency attached by ClinVar (database versions not stated): TOPMed 0.00008; gnomAD 0.00010 and 0.00011; ExAC 0.00003; gnomAD exomes 0.00004.
gnomAD v4.1: 74 of 1,606,050 alleles (0.0046%); highest among the groups gnomAD compares: African/African-American, 0.011%; no homozygotes.

Submissions (3):

Ambry Genetics
Classification: Uncertain significance for Inborn genetic diseases. Last evaluated: 2025-04-28. Review status: criteria provided, single submitter. Criteria: Ambry Variant Classification Scheme 2023. Collection method: clinical testing. Allele origin: germline.

Women's Health and Genetics/Laboratory Corporation of America, LabCorp
Classification: Uncertain significance. Last evaluated: 2024-12-02. Review status: criteria provided, single submitter. Criteria: LabCorp Variant Classification Summary - May 2015. Collection method: clinical testing. Allele origin: germline.
Comment: Variant summary: MEGF8 c.7541C>T (p.Thr2514Met) results in a non-conservative amino acid change in the encoded protein sequence. Three of five in-silico tools predict a damaging effect of the variant on protein function. The variant allele was found at a frequency of 3.7e-05 in 241138 control chromosomes. The available data on variant occurrences in the general population are insufficient to allow any conclusion about variant significance. To our knowledge, no occurrence of c.7541C>T in individuals affected with Carpenter Syndrome - Type 2 and no experimental evidence demonstrating its impact on protein function have been reported. ClinVar contains an entry for this variant (Variation ID: 844100). Based on the evidence outlined above, the variant was classified as uncertain significance.

Labcorp Genetics (formerly Invitae), Labcorp
Classification: Uncertain significance for MEGF8-related Carpenter syndrome. Last evaluated: 2024-07-29. Review status: criteria provided, single submitter. Criteria: Invitae Variant Classification Sherloc (09022015). Collection method: clinical testing. Allele origin: germline.
Comment: This sequence change replaces threonine, which is neutral and polar, with methionine, which is neutral and non-polar, at codon 2514 of the MEGF8 protein (p.Thr2514Met). This variant is present in population databases (rs760894129, gnomAD 0.009%). This variant has not been reported in the literature in individuals affected with MEGF8-related conditions. ClinVar contains an entry for this variant (Variation ID: 844100). An algorithm developed to predict the effect of missense changes on protein structure and function outputs the following: PolyPhen-2: "Benign". The methionine amino acid residue is found in multiple mammalian species, which suggests that this missense change does not adversely affect protein function. In summary, the available evidence is currently insufficient to determine the role of this variant in disease. Therefore, it has been classified as a Variant of Uncertain Significance.

NM_001271938.2(MEGF8):c.7742C>T (p.Thr2581Met)

Gene: MEGF8 (multiple EGF like domains 8; plus strand). Cytogenetic location: 19q13.2.
Variant type: single nucleotide variant.
Coding change: c.7742C>T on transcript NM_001271938.2 (MANE Select); coding-DNA position 7742, C replaced by T.
Protein change: p.Thr2581Met; replaces threonine 2581 with methionine.
Molecular consequence: missense variant.
Genome position (GRCh38, 1-based): chr19:42,375,979, C>T. VCF-style: chr19-42375979-C-T. GRCh37 (hg19) VCF-style: chr19-42880131-C-T.
Other names: c.7541C>T, p.Thr2514Met (NM_001410.3); short protein forms T2581M, T2514M.
Identifiers: ClinVar variation 844100 (VCV000844100.11), dbSNP rs760894129, ClinGen allele CA9476252.
Genomic context (GRCh38, chr19:42,375,979, plus strand): 5'-CAGCAGAGCCACGGGTACGGGAGGTATGGCCGCGGGGCCTGATTACCTACGTGACGGTGA[C>T]GGAGCCGTCGGCAGTGCTGGTGGTCCGCGGCGTGCGGGACCGGCTGGTCATCACCTACCC-3'
Protein context (NP_001258867.1, residues 2571-2591): PRGLITYVTV[Thr2581Met]EPSAVLVVRG